The following is an entry in ClinVar:

ClinVar aggregate classification (germline): Uncertain significance. Review status: criteria provided, single submitter (1 of 4 stars). 3 submissions from 3 submitters: Uncertain significance (1). 2 of the submissions do not count toward it. Last evaluated 2021-05-03.

Conditions:
Familial focal epilepsy with variable foci (FPEVF). Identifiers: Orphanet 98820, MedGen C1858477, MONDO:0020310.
Self-limited epilepsy with centrotemporal spikes. Also called: Childhood epilepsy with centrotemporal spikes; Rolandic epilepsy. Identifiers: Orphanet 1945, MedGen C0376532, MONDO:0007295.
Epilepsy, familial focal, with variable foci 1 (FFEVF1). Also called: DEPDC5-Related Epilepsy. Identifiers: MedGen C4551983, MONDO:0024556, OMIM 604364.

gnomAD v4.1: 12 of 1,614,010 alleles (0.00074%); highest among the groups gnomAD compares: East Asian, 0.0022%; no homozygotes.

Submissions (3):

Labcorp Genetics (formerly Invitae), Labcorp
Classification: Uncertain significance for Familial focal epilepsy with variable foci. Last evaluated: 2021-05-03. Review status: criteria provided, single submitter. Criteria: Invitae Variant Classification Sherloc (09022015). Collection method: clinical testing. Allele origin: germline.
Comment: This sequence change replaces valine with leucine at codon 272 of the DEPDC5 protein (p.Val272Leu). The valine residue is highly conserved and there is a small physicochemical difference between valine and leucine. This variant is present in population databases (rs187334123, ExAC 0.2%), and has an allele count higher than expected for a pathogenic variant (PMID: 28166811). This variant has been observed in individual(s) with clinical features of DEPDC5-related conditions (PMID: 24591017). ClinVar contains an entry for this variant (Variation ID: 264752). Experimental studies have shown that this variant does not substantially affect DEPDC5 protein function (PMID: 25366275). In summary, the available evidence is currently insufficient to determine the role of this variant in disease. Therefore, it has been classified as a Variant of Uncertain Significance.

Bioinformatics Core, Luxembourg Center for Systems Biomedicine
Classification: Pathogenic for Self-limited epilepsy with centrotemporal spikes. Last evaluated: 2017-01-01. Review status: no assertion criteria provided. Collection method: case-control. Allele origin: germline. Affected: yes. Study: EUROEPINOMICS COGIE. Not counted in ClinVar's aggregate classification.

GeneReviews
No classification provided. Condition: Epilepsy, familial focal, with variable foci 1. Review status: no classification provided. Collection method: literature only. Allele origin: germline. Affected: yes. Not counted in ClinVar's aggregate classification.

Literature cited by the submitters: PubMed 28166811 (cited by Labcorp Genetics (formerly Invitae), Labcorp); PubMed 24591017 (cited by Labcorp Genetics (formerly Invitae), Labcorp and GeneReviews); PubMed 25366275 (cited by Labcorp Genetics (formerly Invitae), Labcorp); PubMed 29358611 (cited by Bioinformatics Core, Luxembourg Center for Systems Biomedicine); NCBI Bookshelf NBK385626 (cited by GeneReviews).

NM_001242896.3(DEPDC5):c.814G>T (p.Val272Leu)

Gene: DEPDC5 (DEP domain containing 5, GATOR1 subcomplex subunit; plus strand). Cytogenetic location: 22q12.2.
Variant type: single nucleotide variant.
Coding change: c.814G>T on transcript NM_001242896.3 (MANE Select); coding-DNA position 814, G replaced by T.
Protein change: p.Val272Leu; replaces valine 272 with leucine.
Molecular consequence: missense variant. On other transcripts: non-coding transcript variant (5).
Genome position (GRCh38, 1-based): chr22:31,797,646, G>T. VCF-style: chr22-31797646-G-T. GRCh37 (hg19) VCF-style: chr22-32193632-G-T.
Other names: c.730G>T, p.Val244Leu (NM_001369901.1, NM_001369902.1); c.814G>T, p.Val272Leu (NM_001369903.1, NM_014662.6, NM_001007188.4 and 7 more transcripts); short protein forms V272L, V244L.
Identifiers: ClinVar variation 264752 (VCV000264752.8), dbSNP rs187334123, ClinGen allele CA10196122.